The following is an entry in ClinVar:

NM_001258392.3(CLPB):c.73A>G (p.Thr25Ala)

Genes: CLPB (ClpB family mitochondrial disaggregase; minus strand), LOC130006336 (ATAC-STARR-seq lymphoblastoid active region 5191; plus strand). Cytogenetic location: 11q13.4.
Variant type: single nucleotide variant.
Coding change: c.73A>G on transcript NM_001258392.3 (MANE Select); coding-DNA position 73, A replaced by G.
Protein change: p.Thr25Ala; replaces threonine 25 with alanine.
Molecular consequence: missense variant. On other transcripts: 5 prime UTR variant (1).
Genome position (GRCh38, 1-based): chr11:72,434,402, T>C on the plus strand (A>G on the coding strand, the complement: CLPB is on the minus strand). VCF-style: chr11-72434402-T-C. GRCh37 (hg19) VCF-style: chr11-72145446-T-C.
Other names: c.73A>G, p.Thr25Ala (NM_030813.6, NM_001258393.3); c.-170A>G (NM_001258394.3); short protein forms T25A.
Identifiers: ClinVar variation 1365373 (VCV001365373.8), dbSNP rs760759093, ClinGen allele CA6171680.

ClinVar aggregate classification (germline): Uncertain significance (1 of 4 stars; one submission).

Conditions:
3-methylglutaconic aciduria, type VIIB (MGCA7B). Also called: CLPB Deficiency; 3-methylglutaconic aciduria with cataracts, neurologic involvement and neutropenia; 3-methylglutaconic aciduria, type VII, with cataracts, neurologic involvement and neutropenia. Identifiers: Orphanet 445038, MedGen C5676893, MONDO:0014561, OMIM 616271.

Allele frequency attached by ClinVar (database versions not stated): gnomAD exomes 0.00001 and 0.00002; ExAC 0.00002.
gnomAD v4.1: 14 of 1,606,090 alleles (0.00087%); highest among the groups gnomAD compares: South Asian, 0.0066%; no homozygotes.

Submission:

Labcorp Genetics (formerly Invitae), Labcorp
Classification: Uncertain significance for 3-methylglutaconic aciduria, type VIIB. Last evaluated: 2023-10-05. Review status: criteria provided, single submitter. Criteria: Invitae Variant Classification Sherloc (09022015). Collection method: clinical testing. Allele origin: germline.
Comment: This sequence change replaces threonine, which is neutral and polar, with alanine, which is neutral and non-polar, at codon 25 of the CLPB protein (p.Thr25Ala). This variant is present in population databases (rs760759093, gnomAD 0.01%). This variant has not been reported in the literature in individuals affected with CLPB-related conditions. ClinVar contains an entry for this variant (Variation ID: 1365373). Experimental studies and prediction algorithms are not available or were not evaluated, and the functional significance of this variant is currently unknown. In summary, the available evidence is currently insufficient to determine the role of this variant in disease. Therefore, it has been classified as a Variant of Uncertain Significance.